The following is an entry in ClinVar:

NM_001145715.3(KPNA7):c.559G>A (p.Gly187Ser)

Gene: KPNA7 (karyopherin subunit alpha 7; minus strand). Cytogenetic location: 7q22.1.
Variant type: single nucleotide variant.
Coding change: c.559G>A on transcript NM_001145715.3 (MANE Select); coding-DNA position 559, G replaced by A.
Protein change: p.Gly187Ser; replaces glycine 187 with serine.
Molecular consequence: missense variant.
Genome position (GRCh38, 1-based): chr7:99,193,096, C>T on the plus strand (G>A on the coding strand, the complement: KPNA7 is on the minus strand). VCF-style: chr7-99193096-C-T. GRCh37 (hg19) VCF-style: chr7-98790719-C-T.
Other names: short protein forms G187S.
Identifiers: ClinVar variation 1962380 (VCV001962380.5), dbSNP rs2535504615, ClinGen allele CA368420288.

ClinVar aggregate classification (germline): Uncertain significance (1 of 4 stars; one submission).

Allele frequency attached by ClinVar (database versions not stated): gnomAD exomes below 0.00001.
gnomAD v4.1: 3 of 1,487,904 alleles (0.0002%); highest among the groups gnomAD compares: Non-Finnish European, 0.00027%; no homozygotes.

Submission:

Labcorp Genetics (formerly Invitae), Labcorp
Classification: Uncertain significance. Last evaluated: 2022-05-06. Review status: criteria provided, single submitter. Criteria: Invitae Variant Classification Sherloc (09022015). Collection method: clinical testing. Allele origin: germline.
Comment: This variant has not been reported in the literature in individuals affected with KPNA7-related conditions. Algorithms developed to predict the effect of missense changes on protein structure and function output the following: SIFT: "Tolerated"; PolyPhen-2: "Benign"; Align-GVGD: "Class C0". The serine amino acid residue is found in multiple mammalian species, which suggests that this missense change does not adversely affect protein function. This variant is not present in population databases (gnomAD no frequency). This sequence change replaces glycine, which is neutral and non-polar, with serine, which is neutral and polar, at codon 187 of the KPNA7 protein (p.Gly187Ser). In summary, the available evidence is currently insufficient to determine the role of this variant in disease. Therefore, it has been classified as a Variant of Uncertain Significance.